The following is an entry in ClinVar:

ClinVar aggregate classification (germline): Likely benign (1 of 4 stars; one submission).

Allele frequency attached by ClinVar (database versions not stated): gnomAD exomes 0.00001; ExAC 0.00002; gnomAD 0.00005; TOPMed 0.00008; ESP Exome Variant Server 0.00022.
gnomAD v4.1: 25 of 1,600,224 alleles (0.0016%); highest among the groups gnomAD compares: African/African-American, 0.02%; no homozygotes.

Submission:

CeGaT Center for Human Genetics Tuebingen
Classification: Likely benign. Last evaluated: 2023-04-01. Review status: criteria provided, single submitter. Criteria: CeGaT Center For Human Genetics Tuebingen Variant Classification Criteria Version 2. Collection method: clinical testing. Allele origin: germline. Affected: yes. Observed: 1 variant allele.
Comment: SPDYE4: BP4, BP7

NM_001394956.1(SPDYE4):c.255G>A (p.Thr85=)

Gene: SPDYE4 (speedy/RINGO cell cycle regulator family member E4; minus strand). Cytogenetic location: 17p13.1.
Variant type: single nucleotide variant.
Coding change: c.255G>A on transcript NM_001394956.1 (MANE Select); coding-DNA position 255, G replaced by A.
Protein change: p.Thr85=; no amino-acid change (threonine 85 retained).
Molecular consequence: synonymous variant.
Genome position (GRCh38, 1-based): chr17:8,757,347, C>T on the plus strand (G>A on the coding strand, the complement: SPDYE4 is on the minus strand). VCF-style: chr17-8757347-C-T. GRCh37 (hg19) VCF-style: chr17-8660665-C-T.
Other names: c.255G>A, p.Thr85= (NM_001128076.3).
Identifiers: ClinVar variation 2647458 (VCV002647458.24), dbSNP rs373072269, ClinGen allele CA8378786.